The following is an entry in ClinVar:

NM_001243197.2(IQSEC2):c.142G>A (p.Glu48Lys)

Gene: IQSEC2 (IQ motif and Sec7 domain ArfGEF 2; minus strand). Cytogenetic location: Xp11.22.
Variant type: single nucleotide variant.
Coding change: c.142G>A on transcript NM_001243197.2 (MANE Plus Clinical); coding-DNA position 142, G replaced by A.
Protein change: p.Glu48Lys; replaces glutamic acid 48 with lysine.
Molecular consequence: missense variant. On other transcripts: intron variant (3).
Genome position (GRCh38, 1-based): chrX:53,267,045, C>T on the plus strand (G>A on the coding strand, the complement: IQSEC2 is on the minus strand). VCF-style: chrX-53267045-C-T. GRCh37 (hg19) VCF-style: chrX-53296227-C-T.
Other names: c.738-10984G>A (NM_001410736.1, NM_001111125.3); c.123-10984G>A (NM_015075.2); short protein forms E48K.
Identifiers: ClinVar variation 3354059 (VCV003354059.1).

ClinVar aggregate classification (germline): Uncertain significance (0 of 4 stars; one submission).

Conditions:
IQSEC2-related disorder. Also called: IQSEC2-related condition.

Submission:

PreventionGenetics, part of Exact Sciences
Classification: Uncertain significance for IQSEC2-related condition. Last evaluated: 2024-05-29. Review status: no assertion criteria provided. Collection method: clinical testing. Allele origin: germline.
Comment: The IQSEC2 c.142G>A variant is predicted to result in the amino acid substitution p.Glu48Lys. To our knowledge, this variant has not been reported in the literature or in a large population database, indicating this variant is rare. At this time, the clinical significance of this variant is uncertain due to the absence of conclusive functional and genetic evidence.